The following is an entry in ClinVar:

ClinVar aggregate classification (germline): Uncertain significance (1 of 4 stars; one submission).

Conditions:
PPFIA3-associated neurodevelopmental disorder.

Submission:

Institute of Human Genetics, University of Leipzig Medical Center
Classification: Uncertain significance for PPFIA3-associated neurodevelopmental disorder. Last evaluated: 2024-07-19. Review status: criteria provided, single submitter. Criteria: ACMG Guidelines, 2015. Collection method: clinical testing. Allele origin: unknown. Inheritance: Autosomal dominant inheritance. Affected: yes.
Comment: Criteria applied: PM2_SUP,PP3

NM_003660.4(PPFIA3):c.2809-7G>A

Gene: PPFIA3 (PTPRF interacting protein alpha 3; plus strand). Cytogenetic location: 19q13.33.
Variant type: single nucleotide variant.
Coding change: c.2809-7G>A on transcript NM_003660.4 (MANE Select); 7 bases into the intron before coding-DNA position 2809, G replaced by A.
Molecular consequence: intron variant.
Genome position (GRCh38, 1-based): chr19:49,146,159, G>A. VCF-style: chr19-49146159-G-A. GRCh37 (hg19) VCF-style: chr19-49649416-G-A.
Identifiers: ClinVar variation 3358987 (VCV003358987.2).
Genomic context (GRCh38, chr19:49,146,159, plus strand): 5'-CCTTGCGTCCTCCTCTGCCTGCCCCTTAACTCACCCCTTCTCTCCCCTCTTCCTACTAAC[G>A]GGTCAGGAGACCAAGGAGATCAGCTGGGAGCAGGTAGGGGGCGCGGGGCGGGGCGTGAGC-3'